The following is an entry in ClinVar:

NM_022168.4(IFIH1):c.1095+1G>A

Gene: IFIH1 (interferon induced with helicase C domain 1; minus strand). Cytogenetic location: 2q24.2.
Variant type: single nucleotide variant.
Coding change: c.1095+1G>A on transcript NM_022168.4 (MANE Select); the canonical splice donor site of the intron after coding-DNA position 1095, G replaced by A.
Molecular consequence: splice donor variant.
Genome position (GRCh38, 1-based): chr2:162,288,134, C>T on the plus strand (G>A on the coding strand, the complement: IFIH1 is on the minus strand). VCF-style: chr2-162288134-C-T. GRCh37 (hg19) VCF-style: chr2-163144644-C-T.
Identifiers: ClinVar variation 1305619 (VCV001305619.9), dbSNP rs140125523, ClinGen allele CA1934632.
Genomic context (GRCh38, chr2:162,288,134, plus strand): 5'-ATAAAAGTTTCAGAATAATACAATGAAAATGATCAACTAGTGTTATGTGTTCTTTGAATA[C>T]CTTATTGACAAGAACTATAACTTTTCCAGGCTCAGATGCTTTTTTCTTCTTGTCTAAGTG-3'

ClinVar aggregate classification (germline): Conflicting classifications of pathogenicity. Review status: criteria provided, conflicting classifications (1 of 4 stars). 5 submissions from 5 submitters: Likely pathogenic (1); Uncertain significance (4). Last evaluated 2025-12-03.

Conditions:
Aicardi-Goutieres syndrome 7 (AGS7). Identifiers: Orphanet 51, MedGen C3888244, MONDO:0014367, OMIM 615846.
Singleton-Merten syndrome 1 (SGMRT1). Also called: Widened medullary cavities of bone, aortic calcification, abnormal dentition, and muscular weakness; Syndrome of widened medullary cavities of the metacarpals and phalanges, aortic calcification and abnormal dentition. Identifiers: Orphanet 85191, MedGen C4225427, MONDO:0024535, OMIM 182250.
Immunodeficiency 95 (IMD95). Identifiers: MedGen C5676929, MONDO:0030692, OMIM 619773.
IFIH1-related disorder. Also called: IFIH1-related condition.

Allele frequency attached by ClinVar (database versions not stated): ESP Exome Variant Server 0.00008.
gnomAD v4.1: 93 of 1,585,614 alleles (0.0059%); highest among the groups gnomAD compares: Non-Finnish European, 0.0075%; no homozygotes.

Submissions (5):

Labcorp Genetics (formerly Invitae), Labcorp
Classification: Uncertain significance for Aicardi-Goutieres syndrome 7; Singleton-Merten syndrome 1. Last evaluated: 2025-12-03. Review status: criteria provided, single submitter. Criteria: Invitae Variant Classification Sherloc (09022015). Collection method: clinical testing. Allele origin: germline.
Comment: This sequence change affects a donor splice site in intron 5 of the IFIH1 gene. It is expected to disrupt RNA splicing. Variants that disrupt the donor or acceptor splice site typically lead to a loss of protein function (PMID: 16199547), however the current clinical and genetic evidence is not sufficient to establish whether loss-of-function variants in IFIH1 cause disease. This variant is present in population databases (rs140125523, gnomAD 0.006%). This variant has not been reported in the literature in individuals affected with IFIH1-related conditions. ClinVar contains an entry for this variant (Variation ID: 1305619). Algorithms developed to predict the effect of sequence changes on RNA splicing suggest that this variant may disrupt the consensus splice site. In summary, the available evidence is currently insufficient to determine the role of this variant in disease. Therefore, it has been classified as a Variant of Uncertain Significance.

Mayo Clinic Laboratories, Mayo Clinic
Classification: Uncertain significance. Last evaluated: 2023-06-13. Review status: criteria provided, single submitter. Criteria: ACMG Guidelines, 2015. Collection method: clinical testing. Allele origin: germline. Observed: 1 variant allele.

Blueprint Genetics
Classification: Likely pathogenic for IFIH1-related disorders. Last evaluated: 2023-03-10. Review status: criteria provided, single submitter. Criteria: ACMG Guidelines, 2015. Collection method: clinical testing. Allele origin: germline. Affected: yes. Observed: 5 variant alleles.

Fulgent Genetics
Classification: Uncertain significance for Singleton-Merten syndrome 1; Aicardi-Goutieres syndrome 7; Immunodeficiency 95. Last evaluated: 2021-07-16. Review status: criteria provided, single submitter. Criteria: ACMG Guidelines, 2015. Collection method: clinical testing. Allele origin: unknown.

GeneDx
Classification: Uncertain significance. Last evaluated: 2019-05-10. Review status: criteria provided, single submitter. Criteria: GeneDx Variant Classification Process June 2021. Collection method: clinical testing. Allele origin: germline. Affected: yes.
Comment: Canonical splice site variant in a gene for which loss-of-function is not a known mechanism of disease; Has not been previously published as pathogenic or benign to our knowledge

Literature cited by the submitters: PubMed 16199547 (cited by Labcorp Genetics (formerly Invitae), Labcorp).